The following is an entry in ClinVar:

ClinVar aggregate classification (germline): Likely benign (1 of 4 stars; one submission).

Allele frequency attached by ClinVar (database versions not stated): gnomAD 0.00016; ExAC 0.00019; ESP Exome Variant Server 0.00031.
gnomAD v4.1: 173 of 1,613,974 alleles (0.011%); highest among the groups gnomAD compares: Middle Eastern, 0.033%; no homozygotes.

Submission:

CeGaT Center for Human Genetics Tuebingen
Classification: Likely benign. Last evaluated: 2022-05-01. Review status: criteria provided, single submitter. Criteria: CeGaT Center For Human Genetics Tuebingen Variant Classification Criteria Version 2. Collection method: clinical testing. Allele origin: germline. Affected: yes. Observed: 1 variant allele.
Comment: FRMD4A: BP4, BP7

NM_018027.5(FRMD4A):c.1428G>A (p.Thr476=)

Gene: FRMD4A (FERM domain containing 4A; minus strand). Cytogenetic location: 10p13.
Variant type: single nucleotide variant.
Coding change: c.1428G>A on transcript NM_018027.5 (MANE Select); coding-DNA position 1428, G replaced by A.
Protein change: p.Thr476=; no amino-acid change (threonine 476 retained).
Molecular consequence: synonymous variant.
Genome position (GRCh38, 1-based): chr10:13,666,272, C>T on the plus strand (G>A on the coding strand, the complement: FRMD4A is on the minus strand). VCF-style: chr10-13666272-C-T. GRCh37 (hg19) VCF-style: chr10-13708272-C-T.
Other names: c.1476G>A, p.Thr492= (NM_001318336.2); c.1527G>A, p.Thr509= (NM_001318337.2); c.501G>A, p.Thr167= (NM_001318338.2).
Identifiers: ClinVar variation 2640319 (VCV002640319.24), dbSNP rs149660512, ClinGen allele CA5414369.
Genomic context (GRCh38, chr10:13,666,272, plus strand): 5'-CCTTTGTTTCTTCAGTTTTTTGCTGACGTTGGGGTCACTGGCTAGGCGGCGGGCGGCCTC[C>T]GTAATCTGGGACTGAATGGCAAACTCTCGTTCCAGGCGTTCCAGCTCAGCTTCCTGTGGG-3'
Protein context (NP_060497.3, residues 466-486): EREFAIQSQI[Thr476=]EAARRLASDP